The following is an entry in ClinVar:

NM_004370.6(COL12A1):c.2040_2041delinsCC (p.Ala681Pro)

Gene: COL12A1 (collagen type XII alpha 1 chain; minus strand). Cytogenetic location: 6q13.
Variant type: Indel.
Coding change: c.2040_2041delinsCC on transcript NM_004370.6 (MANE Select); coding-DNA positions 2040 to 2041, AG replaced by CC.
Protein change: p.Ala681Pro; replaces alanine 681 with proline.
Molecular consequence: missense variant. On other transcripts: intron variant (2).
Genome position (GRCh38, 1-based): chr6:75,181,062-75,181,063, CT replaced by GG on the plus strand (AG replaced by CC on the coding strand, the reverse complement: COL12A1 is on the minus strand). VCF-style: chr6-75181062-CT-GG. GRCh37 (hg19) VCF-style: chr6-75890778-CT-GG.
Other names: c.2040_2041delinsCC, p.Ala681Pro (NM_001424113.1, NM_001424114.1, NM_001424115.1); c.73+21657_73+21658delinsCC (NM_001424116.1, NM_080645.3); short protein forms A681P.
Identifiers: ClinVar variation 3758653 (VCV003758653.2).

ClinVar aggregate classification (germline): Uncertain significance (1 of 4 stars; one submission).

Conditions:
Ullrich congenital muscular dystrophy 2 (UCMD2). Identifiers: Orphanet 75840, MedGen C4225314, MONDO:0014654, OMIM 616470.
Bethlem myopathy 2 (BTHLM2). Identifiers: Orphanet 536516, Orphanet 610, MedGen C4225313, MONDO:0034022, OMIM 616471.

Submission:

Labcorp Genetics (formerly Invitae), Labcorp
Classification: Uncertain significance for Bethlem myopathy 2; Ullrich congenital muscular dystrophy 2. Last evaluated: 2025-03-04. Review status: criteria provided, single submitter. Criteria: Invitae Variant Classification Sherloc (09022015). Collection method: clinical testing. Allele origin: germline.
Comment: This sequence change replaces alanine, which is neutral and non-polar, with proline, which is neutral and non-polar, at codon 681 of the COL12A1 protein (p.Ala681Pro). Information on the frequency of this variant in the gnomAD database is not available, as this variant may be reported differently in the database. This variant has not been reported in the literature in individuals affected with COL12A1-related conditions. Experimental studies and prediction algorithms are not available or were not evaluated, and the functional significance of this variant is currently unknown. In summary, the available evidence is currently insufficient to determine the role of this variant in disease. Therefore, it has been classified as a Variant of Uncertain Significance.